The following is an entry in ClinVar:

ClinVar aggregate classification (germline): Uncertain significance (1 of 4 stars; one submission).

Conditions:
Hereditary cancer-predisposing syndrome. Also called: Neoplastic Syndromes, Hereditary; Hereditary Cancer Syndrome; Hereditary neoplastic syndrome; Tumor predisposition. Identifiers: Orphanet 140162, MedGen C0027672, MeSH D009386, MONDO:0015356.

gnomAD v4.1: 2 of 1,614,130 alleles (0.00012%); highest among the groups gnomAD compares: Non-Finnish European, 0.00017%; no homozygotes.

Submission:

Ambry Genetics
Classification: Uncertain significance for Hereditary cancer-predisposing syndrome. Last evaluated: 2023-05-31. Review status: criteria provided, single submitter. Criteria: Ambry Variant Classification Scheme 2023. Collection method: clinical testing. Allele origin: germline.
Comment: The p.L348V variant (also known as c.1042C>G), located in coding exon 10 of the FANCC gene, results from a C to G substitution at nucleotide position 1042. The leucine at codon 348 is replaced by valine, an amino acid with highly similar properties. This amino acid position is conserved. In addition, this alteration is predicted to be deleterious by in silico analysis. Since supporting evidence is limited at this time, the clinical significance of this alteration remains unclear.

NM_000136.3(FANCC):c.1042C>G (p.Leu348Val)

Genes: FANCC (FA complementation group C; minus strand), AOPEP (aminopeptidase O (putative); plus strand). Cytogenetic location: 9q22.32.
Variant type: single nucleotide variant.
Coding change: c.1042C>G on transcript NM_000136.3 (MANE Select); coding-DNA position 1042, C replaced by G.
Protein change: p.Leu348Val; replaces leucine 348 with valine.
Molecular consequence: missense variant.
Genome position (GRCh38, 1-based): chr9:95,117,345, G>C on the plus strand (C>G on the coding strand, the complement: FANCC is on the minus strand). VCF-style: chr9-95117345-G-C. GRCh37 (hg19) VCF-style: chr9-97879627-G-C.
Other names: c.1042C>G, p.Leu348Val (NM_001243743.2, NM_001243744.2); short protein forms L348V.
Identifiers: ClinVar variation 2565555 (VCV002565555.2), dbSNP rs1357177737, ClinGen allele CA374108149.
Genomic context (GRCh38, chr9:95,117,345, plus strand): 5'-CTGATGTGGGCAAAGTCAACCCTAACTCACCTTGAGGGTCTTGCAGCAGCACCATGGCAA[G>C]AGATGGAGAAGTGTAAGGAAAGTAGGTCTTGAGTGCAAACCGCAGCTGCCACAGGATGGA-3'
Protein context (NP_000127.2, residues 338-358): KTYFPYTSPS[Leu348Val]AMVLLQDPQD